The following is an entry in ClinVar:

NM_004517.4(ILK):c.1020C>T (p.Val340=)

Genes: ILK (integrin linked kinase; plus strand), TAF10 (TATA-box binding protein associated factor 10; minus strand). Cytogenetic location: 11p15.4.
Variant type: single nucleotide variant.
Coding change: c.1020C>T on transcript NM_004517.4 (MANE Select); coding-DNA position 1020, C replaced by T.
Protein change: p.Val340=; no amino-acid change (valine 340 retained).
Molecular consequence: synonymous variant. On other transcripts: 3 prime UTR variant (1).
Genome position (GRCh38, 1-based): chr11:6,609,977, C>T. VCF-style: chr11-6609977-C-T. GRCh37 (hg19) VCF-style: chr11-6631208-C-T.
Other names: c.1020C>T, p.Val340= (NM_001014794.3, NM_001014795.3); c.837C>T, p.Val279= (NM_001278441.2); c.618C>T, p.Val206= (NM_001278442.2); c.*945G>A (NM_006284.4).
Identifiers: ClinVar variation 91924 (VCV000091924.2), dbSNP rs386352317, ClinGen allele CA232169.

ClinVar aggregate classification (germline): Uncertain significance (0 of 4 stars; one submission).

Submission:

Richard Lifton Laboratory, Yale University School of Medicine
Classification: Uncertain significance. Review status: no assertion criteria provided. Collection method: not provided. Allele origin: somatic.
Comment: ILK
ClinVar note: Converted during submission from unknown to Uncertain significance.